The following is an entry in ClinVar:

ClinVar aggregate classification (germline): Uncertain significance. Review status: criteria provided, multiple submitters, no conflicts (2 of 4 stars). 2 submissions from 2 submitters: Uncertain significance (2). Last evaluated 2024-11-07.

Conditions:
Inborn genetic diseases. Identifiers: MedGen C0950123, MeSH D030342.
Peters plus syndrome. Also called: KRAUSE-KIVLIN SYNDROME. Identifiers: Orphanet 709, MedGen C0796012, MONDO:0009856, OMIM 261540.

Allele frequency attached by ClinVar (database versions not stated): 1000 Genomes Project 30x 0.00031; ESP Exome Variant Server 0.00031; 1000 Genomes Project 0.00040.
gnomAD v4.1: 102 of 1,584,742 alleles (0.0064%); highest among the groups gnomAD compares: African/African-American, 0.11%; no homozygotes.

Submissions (2):

Ambry Genetics
Classification: Uncertain significance for Inborn genetic diseases. Last evaluated: 2024-11-07. Review status: criteria provided, single submitter. Criteria: Ambry Variant Classification Scheme 2023. Collection method: clinical testing. Allele origin: germline.

Labcorp Genetics (formerly Invitae), Labcorp
Classification: Uncertain significance for Peters plus syndrome. Last evaluated: 2022-03-20. Review status: criteria provided, single submitter. Criteria: Invitae Variant Classification Sherloc (09022015). Collection method: clinical testing. Allele origin: germline.
Comment: This sequence change replaces isoleucine, which is neutral and non-polar, with valine, which is neutral and non-polar, at codon 286 of the B3GLCT protein (p.Ile286Val). This variant is present in population databases (rs116754126, gnomAD 0.1%). This variant has not been reported in the literature in individuals affected with B3GLCT-related conditions. Algorithms developed to predict the effect of missense changes on protein structure and function output the following: SIFT: "Tolerated"; PolyPhen-2: "Benign"; Align-GVGD: "Class C0". The valine amino acid residue is found in multiple mammalian species, which suggests that this missense change does not adversely affect protein function. In summary, the available evidence is currently insufficient to determine the role of this variant in disease. Therefore, it has been classified as a Variant of Uncertain Significance.

NM_194318.4(B3GLCT):c.856A>G (p.Ile286Val)

Gene: B3GLCT (beta 3-glucosyltransferase; plus strand). Cytogenetic location: 13q12.3.
Variant type: single nucleotide variant.
Coding change: c.856A>G on transcript NM_194318.4 (MANE Select); coding-DNA position 856, A replaced by G.
Protein change: p.Ile286Val; replaces isoleucine 286 with valine.
Molecular consequence: missense variant.
Genome position (GRCh38, 1-based): chr13:31,284,653, A>G. VCF-style: chr13-31284653-A-G. GRCh37 (hg19) VCF-style: chr13-31858790-A-G.
Other names: c.856A>G (NM_194318.3); short protein forms I286V.
Identifiers: ClinVar variation 1369152 (VCV001369152.6), dbSNP rs116754126, ClinGen allele CA6936752.
Genomic context (GRCh38, chr13:31,284,653, plus strand): 5'-TTTAAGCTTCCTTGTGTAACTGTGCCAGTGATTGTCACCTCTGTAATTTTTTCAGTACCT[A>G]TTGTTAAGCAGACTTGGGAGAGCCAGGCAAGTCTCATTGAATACTATAGTGACTATACTG-3'
Protein context (NP_919299.3, residues 276-296): CKKFHGDRIP[Ile286Val]VKQTWESQAS